The following is an entry in ClinVar:

NM_001042492.3(NF1):c.1174C>T (p.Gln392Ter)

Gene: NF1 (neurofibromin 1; plus strand). Cytogenetic location: 17q11.2.
Variant type: single nucleotide variant.
Coding change: c.1174C>T on transcript NM_001042492.3 (MANE Select); coding-DNA position 1174, C replaced by T.
Protein change: p.Gln392Ter; replaces glutamine 392 with a stop codon.
Molecular consequence: nonsense.
Genome position (GRCh38, 1-based): chr17:31,201,148, C>T. VCF-style: chr17-31201148-C-T. GRCh37 (hg19) VCF-style: chr17-29528166-C-T.
Other names: c.1174C>T, p.Gln392Ter (NM_000267.4, NM_001128147.3); short protein forms Q392*.
Identifiers: ClinVar variation 640314 (VCV000640314.16), dbSNP rs1597682137, ClinGen allele CA398997286.

ClinVar aggregate classification (germline): Pathogenic. Review status: criteria provided, multiple submitters, no conflicts (2 of 4 stars). 5 submissions from 5 submitters: Pathogenic (5). Last evaluated 2025-04-09.

Conditions:
Neurofibromatosis, type 1 (NF1). Also called: NEUROFIBROMATOSIS, TYPE I, SOMATIC; VON RECKLINGHAUSEN DISEASE; Neurofibromatosis, type I; Peripheral type neurofibromatosis. Identifiers: Orphanet 636, MedGen C0027831, MONDO:0018975, OMIM 162200. Disease mechanism: loss of function.

Submissions (5):

NHS Central & South Genomic Laboratory Hub
Classification: Pathogenic for Neurofibromatosis type 1. Last evaluated: 2025-04-09. Review status: criteria provided, single submitter. Criteria: ACMG Guidelines, 2015. Collection method: clinical testing. Allele origin: germline. Affected: yes.

Genome-Nilou Lab
Classification: Pathogenic for Neurofibromatosis, type 1. Last evaluated: 2022-03-15. Review status: criteria provided, single submitter. Criteria: ACMG Guidelines, 2015. Collection method: clinical testing. Allele origin: germline. Affected: no.

Labcorp Genetics (formerly Invitae), Labcorp
Classification: Pathogenic for Neurofibromatosis, type 1. Last evaluated: 2021-12-15. Review status: criteria provided, single submitter. Criteria: Invitae Variant Classification Sherloc (09022015). Collection method: clinical testing. Allele origin: germline.
Comment: This sequence change creates a premature translational stop signal (p.Gln392*) in the NF1 gene. It is expected to result in an absent or disrupted protein product. Loss-of-function variants in NF1 are known to be pathogenic (PMID: 10712197, 23913538). This variant is not present in population databases (gnomAD no frequency). This premature translational stop signal has been observed in individual(s) with clinical features of neurofibromatosis type 1 (PMID: 26740943). ClinVar contains an entry for this variant (Variation ID: 640314). For these reasons, this variant has been classified as Pathogenic.

ARUP Laboratories, Molecular Genetics and Genomics, ARUP Laboratories
Classification: Pathogenic. Last evaluated: 2020-10-22. Review status: criteria provided, single submitter. Criteria: ARUP Molecular Germline Variant Investigation Process 2021. Collection method: clinical testing. Allele origin: germline.
Comment: The NF1 c.1174C>T; p.Gln392Ter variant (rs1597682137) has been described in at least one individual affected with neurofibromatosis type 1 (Bianchessi 2015). This variant is reported as pathogenic in ClinVar (Variation ID: 645495), and is absent from general population databases (Exome Variant Server and Genome Aggregation Database), indicating it is not a common polymorphism. This variant induces an early termination codon and is predicted to result in a truncated protein or mRNA subject to nonsense-mediated decay. Based on available information, this variant is considered to be pathogenic. REFERENCES Bianchessi D et al. 126 novel mutations in Italian patients with neurofibromatosis type 1. Mol Genet Genomic Med. 2015 Jul 7;3(6):513-25.

Quest Diagnostics Nichols Institute San Juan Capistrano
Classification: Pathogenic. Last evaluated: 2019-09-30. Review status: criteria provided, single submitter. Criteria: Quest Diagnostics criteria. Collection method: clinical testing. Allele origin: unknown.
Comment: This nonsense variant causes the premature termination of NF1 protein synthesis. It has been reported in an individual affected with neurofibromatosis type 1 in the published literature (PMID: 26740943 (2015)).

Literature cited by the submitters: PubMed 10712197 (cited by Labcorp Genetics (formerly Invitae), Labcorp); PubMed 23913538 (cited by Labcorp Genetics (formerly Invitae), Labcorp); PubMed 26740943 (cited by Labcorp Genetics (formerly Invitae), Labcorp and Quest Diagnostics Nichols Institute San Juan Capistrano).